The following is an entry in ClinVar:

NM_001267550.2(TTN):c.21557A>G (p.Tyr7186Cys)

Gene: TTN (titin; minus strand). Cytogenetic location: 2q31.2.
Variant type: single nucleotide variant.
Coding change: c.21557A>G on transcript NM_001267550.2 (MANE Select); coding-DNA position 21557, A replaced by G.
Protein change: p.Tyr7186Cys; replaces tyrosine 7186 with cysteine.
Molecular consequence: missense variant. On other transcripts: intron variant (3).
Genome position (GRCh38, 1-based): chr2:178,723,543, T>C on the plus strand (A>G on the coding strand, the complement: TTN is on the minus strand). VCF-style: chr2-178723543-T-C. GRCh37 (hg19) VCF-style: chr2-179588270-T-C.
Other names: c.21557A>G (NM_001267550.1); c.20606A>G, p.Tyr6869Cys (NM_001256850.1); c.17825A>G, p.Tyr5942Cys (NM_133378.4); c.13282+14539A>G (NM_003319.4); c.13858+14539A>G (NM_133437.4); c.13657+14539A>G (NM_133432.3); short protein forms Y5942C, Y7186C, Y6869C.
Identifiers: ClinVar variation 597324 (VCV000597324.49), dbSNP rs560240166, ClinGen allele CA2001004.

ClinVar aggregate classification (germline): Uncertain significance. Review status: criteria provided, multiple submitters, no conflicts (2 of 4 stars). 3 submissions from 3 submitters: Uncertain significance (3). Last evaluated 2026-08-06.

Allele frequency attached by ClinVar (database versions not stated): ExAC 0.00001; gnomAD 0.00001; gnomAD exomes 0.00001; TOPMed 0.00002; 1000 Genomes Project 30x 0.00016; 1000 Genomes Project 0.00020.
gnomAD v4.1: 20 of 1,613,468 alleles (0.0012%); highest among the groups gnomAD compares: Admixed American, 0.0033%; no homozygotes.

Submissions (3):

GeneDx
Classification: Uncertain significance. Last evaluated: 2026-08-06. Review status: criteria provided, single submitter. Criteria: GeneDx Variant Classification Process June 2021. Collection method: clinical testing. Allele origin: germline.
Comment: Reported in a patient with dilated cardiomyopathy who had multiple TTN variants, phase unknown (PMID: 38473809); Not observed at significant frequency in large population cohorts (gnomAD); Missense variant in a gene in which most reported pathogenic variants are truncating/loss of function; This variant is associated with the following publications: (PMID: 38473809)

CeGaT Center for Human Genetics Tuebingen
Classification: Uncertain significance. Last evaluated: 2019-04-01. Review status: criteria provided, single submitter. Criteria: CeGaT Center For Human Genetics Tuebingen Variant Classification Criteria Version 2. Collection method: clinical testing. Allele origin: germline. Affected: yes. Observed: 1 variant allele.

Eurofins Ntd Llc (ga)
Classification: Uncertain significance. Last evaluated: 2018-05-29. Review status: criteria provided, single submitter. Criteria: EGL ClinVar v180209 classification definitions. Collection method: clinical testing. Allele origin: germline. Observed: 1 variant allele, 1 heterozygote.